The following is an entry in ClinVar:

NM_001267550.2(TTN):c.41275_41276del (p.Val13759fs)

Gene: TTN (titin; minus strand). Cytogenetic location: 2q31.2.
Variant type: Microsatellite.
Coding change: c.41275_41276del on transcript NM_001267550.2 (MANE Select); coding-DNA positions 41275 to 41276, 2 bases deleted (GT; older notation c.41275_41276delGT).
Protein change: p.Val13759fs; shifts the reading frame from valine 13759.
Molecular consequence: frameshift variant.
Genome position (GRCh38, 1-based): chr2:178,636,451-178,636,452, AC deleted on the plus strand (GT on the coding strand, the reverse complement: TTN is on the minus strand); deleting any 2 consecutive bases within chr2:178,636,451-178,636,455 gives the same sequence; the c. name uses the placement nearest the transcript's 3' end. VCF-style (leftmost placement, unchanged base first): chr2-178636450-AAC-A. GRCh37 (hg19) VCF-style: chr2-179501177-AAC-A.
Other names: c.36352_36353del, p.Val12118fs (NM_001256850.1); c.14080_14081del, p.Val4694fs (NM_003319.4); c.33571_33572del, p.Val11191fs (NM_133378.4); c.14455_14456del, p.Val4819fs (NM_133432.3); c.14656_14657del, p.Val4886fs (NM_133437.4); c.41275_41276delGT (NM_001267550.2); short protein forms V11191fs, V12118fs, V13759fs, V4694fs, V4819fs, V4886fs.
Identifiers: ClinVar variation 665680 (VCV000665680.9), dbSNP rs1576745536, ClinGen allele CA915942132.

ClinVar aggregate classification (germline): Likely pathogenic (1 of 4 stars; one submission).

Conditions:
Dilated cardiomyopathy 1G (CMD1G). Identifiers: Orphanet 154, MedGen C1858763, MONDO:0011400, OMIM 604145.
Autosomal recessive limb-girdle muscular dystrophy type 2J (LGMDR10). Also called: MUSCULAR DYSTROPHY, LIMB-GIRDLE, AUTOSOMAL RECESSIVE 10; Limb-girdle muscular dystrophy, type 2J. Identifiers: Orphanet 140922, MedGen C1837342, MONDO:0012127, OMIM 608807.

Submission:

Labcorp Genetics (formerly Invitae), Labcorp
Classification: Likely pathogenic for Dilated cardiomyopathy 1G; Autosomal recessive limb-girdle muscular dystrophy type 2J. Last evaluated: 2024-10-18. Review status: criteria provided, single submitter. Criteria: Invitae Variant Classification Sherloc (09022015). Collection method: clinical testing. Allele origin: germline.
Comment: This sequence change creates a premature translational stop signal (p.Val13759Phefs*13) in the TTN gene. While this is not anticipated to result in nonsense mediated decay, it is expected to create a truncated TTN protein. This variant is not present in population databases (gnomAD no frequency). This variant has not been reported in the literature in individuals affected with TTN-related conditions. ClinVar contains an entry for this variant (Variation ID: 665680). This variant is located in the I band of TTN (PMID: 25589632). Truncating variants in this region have been reported in individuals affected with autosomal recessive centronuclear myopathy (PMID: 23975875, internal data). Truncating variants in this region have also been identified in individuals affected with autosomal dominant dilated cardiomyopathy and/or cardio-related conditions (PMID: 27869827, 32964742, internal data). In summary, the currently available evidence indicates that the variant is pathogenic, but additional data are needed to prove that conclusively. Therefore, this variant has been classified as Likely Pathogenic.

Literature cited by the submitters: PubMed 25589632; PubMed 23975875; PubMed 27869827; PubMed 32964742.